The following is an entry in ClinVar:

NM_000548.5(TSC2):c.4663-4A>T

Gene: TSC2 (TSC complex subunit 2; plus strand). Cytogenetic location: 16p13.3.
Variant type: single nucleotide variant.
Coding change: c.4663-4A>T on transcript NM_000548.5 (MANE Select); 4 bases into the intron before coding-DNA position 4663, A replaced by T.
Molecular consequence: intron variant.
Genome position (GRCh38, 1-based): chr16:2,086,189, A>T. VCF-style: chr16-2086189-A-T. GRCh37 (hg19) VCF-style: chr16-2136190-A-T.
Other names: c.4594-4A>T (NM_001114382.3); c.4534-4A>T (NM_021055.3, NM_001370405.1); c.4465-4A>T (NM_001363528.2); c.4531-4A>T (NM_001370404.1); c.4462-4A>T (NM_001077183.3); c.4354-4A>T (NM_001318827.2); c.3931-4A>T (NM_001318831.2); c.4318-4A>T (NM_001318829.2); and 1 more.
Identifiers: ClinVar variation 793734 (VCV000793734.11), dbSNP rs1596437939, ClinGen allele CA915946310.
Genomic context (GRCh38, chr16:2,086,189, plus strand): 5'-ACCCTCTGCGGGGCAGGGCCCGGCCCGGGAGTGATGCCACCCTGCCTCTCCCCTCTCCCC[A>T]CAGAGCAACAGCGAGCTCGCCATCCTGTCCAATGAGCATGGCTCCTACAGGTACACGGAG-3'

ClinVar aggregate classification (germline): Likely benign. Review status: criteria provided, multiple submitters, no conflicts (2 of 4 stars). 3 submissions from 3 submitters: Likely benign (3). Last evaluated 2026-01-05.

Conditions:
Tuberous sclerosis 2 (TSC2). Identifiers: Orphanet 805, MedGen C1860707, MONDO:0013199, OMIM 613254.
Hereditary cancer-predisposing syndrome. Also called: Tumor predisposition; Neoplastic Syndromes, Hereditary; Hereditary Cancer Syndrome; Hereditary neoplastic syndrome. Identifiers: Orphanet 140162, MedGen C0027672, MeSH D009386, MONDO:0015356.

gnomAD v4.1: 2 of 1,611,754 alleles (0.00012%); no homozygotes.

Submissions (3):

Ambry Genetics
Classification: Likely benign for Hereditary cancer-predisposing syndrome. Last evaluated: 2026-01-05. Review status: criteria provided, single submitter. Criteria: Ambry Variant Classification Scheme 2023. Collection method: clinical testing. Allele origin: germline.

Myriad Genetics, Inc.
Classification: Likely benign for Tuberous sclerosis 2. Last evaluated: 2025-06-04. Review status: criteria provided, single submitter. Criteria: Myriad Autosomal Dominant, Autosomal Recessive and X-Linked Classification Criteria (2023). Collection method: clinical testing. Allele origin: unknown.
Comment: This variant is considered likely benign. This variant is intronic and is not expected to impact mRNA splicing.

Labcorp Genetics (formerly Invitae), Labcorp
Classification: Likely benign for Tuberous sclerosis 2. Last evaluated: 2025-01-20. Review status: criteria provided, single submitter. Criteria: Invitae Variant Classification Sherloc (09022015). Collection method: clinical testing. Allele origin: germline.